The following is an entry in ClinVar:

NM_000222.3(KIT):c.954G>C (p.Met318Ile)

Gene: KIT (KIT proto-oncogene, receptor tyrosine kinase; plus strand). Cytogenetic location: 4q12.
Variant type: single nucleotide variant.
Coding change: c.954G>C on transcript NM_000222.3 (MANE Select); coding-DNA position 954, G replaced by C.
Protein change: p.Met318Ile; replaces methionine 318 with isoleucine.
Molecular consequence: missense variant.
Genome position (GRCh38, 1-based): chr4:54,707,126, G>C. VCF-style: chr4-54707126-G-C. GRCh37 (hg19) VCF-style: chr4-55573292-G-C.
Other names: c.954G>C, p.Met318Ile (NM_001093772.2, NM_001385285.1, NM_001385286.1); c.957G>C, p.Met319Ile (NM_001385284.1, NM_001385288.1, NM_001385290.1 and 1 more transcripts); short protein forms M318I, M319I.
Identifiers: ClinVar variation 945066 (VCV000945066.10), dbSNP rs769399180, ClinGen allele CA356900767.
Genomic context (GRCh38, chr4:54,707,126, plus strand): 5'-GGTTTCTTTCTGTCTTATTTCATTCTAATTAGATAAAGGATTCATTAATATCTTCCCCAT[G>C]ATAAACACTACAGTATTTGTAAACGATGGAGAAAATGTAGATTTGATTGTTGAATATGAA-3'
Protein context (NP_000213.1, residues 308-328): VDKGFINIFP[Met318Ile]INTTVFVNDG

ClinVar aggregate classification (germline): Uncertain significance (1 of 4 stars; one submission).

Conditions:
Gastrointestinal stromal tumor. Also called: Gastrointestinal stromal tumor, somatic; Gastrointestinal stroma tumor. Identifiers: Orphanet 44890, MedGen C0238198, MeSH D046152, MONDO:0011719, OMIM 606764, HP:0100723.

Submission:

Labcorp Genetics (formerly Invitae), Labcorp
Classification: Uncertain significance for Gastrointestinal stromal tumor. Last evaluated: 2019-07-31. Review status: criteria provided, single submitter. Criteria: Invitae Variant Classification Sherloc (09022015). Collection method: clinical testing. Allele origin: germline.
Comment: In summary, the available evidence is currently insufficient to determine the role of this variant in disease. Therefore, it has been classified as a Variant of Uncertain Significance. Algorithms developed to predict the effect of missense changes on protein structure and function output the following: SIFT: "Tolerated"; PolyPhen-2: "Benign"; Align-GVGD: "Class C0". The isoleucine amino acid residue is found in multiple mammalian species, suggesting that this missense change does not adversely affect protein function. These predictions have not been confirmed by published functional studies and their clinical significance is uncertain. This variant has not been reported in the literature in individuals with KIT-related conditions. This variant is not present in population databases (ExAC no frequency). This sequence change replaces methionine with isoleucine at codon 318 of the KIT protein (p.Met318Ile). The methionine residue is moderately conserved and there is a small physicochemical difference between methionine and isoleucine.